The following is an entry in ClinVar:

ClinVar aggregate classification (germline): Likely benign. Review status: criteria provided, multiple submitters, no conflicts (2 of 4 stars). 3 submissions from 3 submitters: Likely benign (3). Last evaluated 2026-08-01.

Allele frequency attached by ClinVar (database versions not stated): ExAC 0.00010; TOPMed 0.00010; gnomAD 0.00012; 1000 Genomes Project 30x 0.00031; 1000 Genomes Project 0.00040.
gnomAD v4.1: 112 of 1,602,916 alleles (0.007%); highest among the groups gnomAD compares: African/African-American, 0.039%; no homozygotes.

Submissions (3):

CeGaT Center for Human Genetics Tuebingen
Classification: Likely benign. Last evaluated: 2026-08-01. Review status: criteria provided, single submitter. Criteria: CeGaT Center For Human Genetics Tuebingen Variant Classification Criteria Version 2. Collection method: clinical testing. Allele origin: germline. Affected: yes. Observed: 1 variant allele.
Comment: TRRAP: BP4, BP7

Labcorp Genetics (formerly Invitae), Labcorp
Classification: Likely benign. Last evaluated: 2025-04-02. Review status: criteria provided, single submitter. Criteria: Invitae Variant Classification Sherloc (09022015). Collection method: clinical testing. Allele origin: germline.

Blueprint Genetics
Classification: Likely benign. Last evaluated: 2022-11-07. Review status: criteria provided, single submitter. Criteria: ACMG Guidelines, 2015. Collection method: clinical testing. Allele origin: germline.

NM_001375524.1(TRRAP):c.4905G>A (p.Ser1635=)

Gene: TRRAP (transformation/transcription domain associated protein; plus strand). Cytogenetic location: 7q22.1.
Variant type: single nucleotide variant.
Coding change: c.4905G>A on transcript NM_001375524.1 (MANE Select); coding-DNA position 4905, G replaced by A.
Protein change: p.Ser1635=; no amino-acid change (serine 1635 retained).
Molecular consequence: synonymous variant.
Genome position (GRCh38, 1-based): chr7:98,949,533, G>A. VCF-style: chr7-98949533-G-A. GRCh37 (hg19) VCF-style: chr7-98547156-G-A.
Other names: c.4884G>A, p.Ser1628= (NM_001244580.2); c.4830G>A, p.Ser1610= (NM_003496.4).
Identifiers: ClinVar variation 2153337 (VCV002153337.6), dbSNP rs181872886, ClinGen allele CA4360415.
Genomic context (GRCh38, chr7:98,949,533, plus strand): 5'-CAACAGGTTCATCACCCTGCTGCTGCCGGGGGGTGCCCAGACGGCTGTGCGCCCCGGTTC[G>A]CCCAGCACCAGCACCATGCGCCTGGACCTCCAGTTCCAGGCCATCAAGGTAGCGCCCCTT-3'
Protein context (NP_001362453.1, residues 1625-1645): GGAQTAVRPG[Ser1635=]PSTSTMRLDL